The following is an entry in ClinVar:

ClinVar aggregate classification (germline): Likely benign (1 of 4 stars; one submission).

gnomAD v4.1: 81 of 602,040 alleles (0.013%); highest among the groups gnomAD compares: East Asian, 0.03%; no homozygotes.

Submission:

CeGaT Center for Human Genetics Tuebingen
Classification: Likely benign. Last evaluated: 2026-05-01. Review status: criteria provided, single submitter. Criteria: CeGaT Center For Human Genetics Tuebingen Variant Classification Criteria Version 2. Collection method: clinical testing. Allele origin: germline. Affected: yes. Observed: 1 variant allele.
Comment: IQSEC2: BP4, BS2

NM_001111125.3(IQSEC2):c.738-10828C>T

Gene: IQSEC2 (IQ motif and Sec7 domain ArfGEF 2; minus strand). Cytogenetic location: Xp11.22.
Variant type: single nucleotide variant.
Coding change: c.738-10828C>T on transcript NM_001111125.3 (MANE Select); 10828 bases into the intron before coding-DNA position 738, C replaced by T.
Molecular consequence: intron variant. On other transcripts: 3 prime UTR variant (1).
Genome position (GRCh38, 1-based): chrX:53,266,889, G>A on the plus strand (C>T on the coding strand, the complement: IQSEC2 is on the minus strand). VCF-style: chrX-53266889-G-A. GRCh37 (hg19) VCF-style: chrX-53296071-G-A.
Other names: c.*76C>T (NM_001243197.2); c.738-10828C>T (NM_001441092.1, NM_001410736.1); c.27-10828C>T (NM_001441095.1, NM_001441094.1); c.123-10828C>T (NM_015075.2); c.240-10828C>T (NM_001441093.1).
Identifiers: ClinVar variation 4874335 (VCV004874335.2).
Genomic context (GRCh38, chrX:53,266,889, plus strand): 5'-GCACGATGCTTGCCCATCTGGTTCCTGAAGCAGGGGACAGGGTCCCATGGGGGAATCTGC[G>A]GGGGGGTGGGTGGGGGGAAGGAGGGGCTGGTTAAGGCTTTTGCTTCTGCATAGAAAATGG-3'